The following is an entry in ClinVar:

NM_016628.5(WAC):c.995_996del (p.Pro332fs)

Gene: WAC (WW domain containing adaptor with coiled-coil; plus strand). Cytogenetic location: 10p12.1.
Variant type: Deletion.
Coding change: c.995_996del on transcript NM_016628.5 (MANE Select); coding-DNA positions 995 to 996, 2 bases deleted (CC; older notation c.995_996delCC).
Protein change: p.Pro332fs; shifts the reading frame from proline 332.
Molecular consequence: frameshift variant.
Genome position (GRCh38, 1-based): chr10:28,608,261-28,608,262, CC deleted; deleting any 2 consecutive bases within chr10:28,608,259-28,608,262 gives the same sequence; the c. name uses the placement nearest the transcript's 3' end. VCF-style (leftmost placement, unchanged base first): chr10-28608258-ACC-A. GRCh37 (hg19) VCF-style: chr10-28897187-ACC-A.
Other names: c.860_861del, p.Pro287fs (NM_100264.3); c.686_687del, p.Pro229fs (NM_100486.4); short protein forms P229fs, P287fs, P332fs.
Identifiers: ClinVar variation 4533316 (VCV004533316.1).
Genomic context (GRCh38, chr10:28,608,258, plus strand): 5'-GAGACAAACCCGTATCACATTCTTGCACAACTCCTTCCACGTCTTCTGCCTCTGGACTGA[ACC>A]CCACATCTGCACCTCCAACATCTGCTTCAGCGGTCCCTGTTTCTCCTGTTCCACAGTCGC-3'

ClinVar aggregate classification (germline): Pathogenic (1 of 4 stars; one submission).

Conditions:
DeSanto-Shinawi syndrome due to WAC point mutation (DESSH). Also called: DEVELOPMENTAL DELAY, BEHAVIORAL ABNORMALITIES, FACIAL DYSMORPHISM, AND OCULAR ABNORMALITIES; Facial dysmorphism-developmental delay-behavioral abnormalities syndrome due to WAC point mutation; WAC-Related Intellectual Disability. Identifiers: Orphanet 284169, Orphanet 466950, MedGen C5681129, MONDO:0014741, OMIM 616708.

Submission:

Institute of Human Genetics, University of Leipzig Medical Center
Classification: Pathogenic for DeSanto-Shinawi syndrome due to WAC point mutation. Last evaluated: 2025-11-10. Review status: criteria provided, single submitter. Criteria: ACMG Guidelines, 2015. Collection method: clinical testing. Allele origin: unknown. Inheritance: Autosomal dominant inheritance. Affected: yes.
Comment: Criteria applied: PVS1,PM2